The following is an entry in ClinVar:

Conditions:
Breast-ovarian cancer, familial, susceptibility to, 1 (BROVCA1). Also called: BRCA1 Hereditary Breast and Ovarian Cancer; OVARIAN CANCER, SUSCEPTIBILITY TO. Identifiers: Orphanet 145, MedGen C2676676, MONDO:0011450, OMIM 604370. Disease mechanism: loss of function.

Submission:

Brotman Baty Institute, University of Washington
No classification provided (evidence only). Condition: Breast-ovarian cancer, familial 1. Review status: no classification provided. Collection method: in vitro. Allele origin: not applicable. Functional consequence: functionally_normal.
ClinVar note: "not provided" was previously submitted as the classification for the variant. However, the classification appeared to be based only on an observation of functional data so it was converted to no classification on 2025-07-30.

NM_007294.4(BRCA1):c.5185C>A (p.Leu1729Met)

Gene: BRCA1 (BRCA1 DNA repair associated; minus strand). Cytogenetic location: 17q21.31.
Variant type: single nucleotide variant.
Coding change: c.5185C>A on transcript NM_007294.4 (MANE Select); coding-DNA position 5185, C replaced by A.
Protein change: p.Leu1729Met; replaces leucine 1729 with methionine.
Molecular consequence: missense variant. On other transcripts: non-coding transcript variant (1).
Genome position (GRCh38, 1-based): chr17:43,063,341, G>T on the plus strand (C>A on the coding strand, the complement: BRCA1 is on the minus strand). VCF-style: chr17-43063341-G-T. GRCh37 (hg19) VCF-style: chr17-41215358-G-T.
Other names: c.4972C>A, p.Leu1658Met (NM_001407571.1, NM_001407900.1, NM_001407902.1 and 12 more transcripts); c.5251C>A, p.Leu1751Met (NM_001407581.1, NM_001407582.1); c.5248C>A, p.Leu1750Met (NM_001407583.1, NM_001407585.1, NM_001407587.1 and 1 more transcripts); c.5182C>A, p.Leu1728Met (NM_001407610.1, NM_001407611.1, NM_001407612.1 and 17 more transcripts); c.5179C>A, p.Leu1727Met (NM_001407629.1, NM_001407630.1, NM_001407631.1 and 14 more transcripts); c.5125C>A, p.Leu1709Met (NM_001407649.1); c.5107C>A, p.Leu1703Met (NM_001407652.1, NM_001407653.1, NM_001407654.1 and 1 more transcripts); c.5104C>A, p.Leu1702Met (NM_001407656.1, NM_001407657.1, NM_001407658.1); and 72 more; short protein forms L625M, L1682M, L1729M, L1750M, L1617M, L1639M, L1658M, L1662M.
Identifiers: ClinVar variation 868119 (VCV000868119.3), dbSNP rs1207677103, ClinGen allele CA10591171.